The following is an entry in ClinVar:

NM_000268.4(NF2):c.1000-5C>T

Gene: NF2 (NF2, moesin-ezrin-radixin like (MERLIN) tumor suppressor; plus strand). Cytogenetic location: 22q12.2.
Variant type: single nucleotide variant.
Coding change: c.1000-5C>T on transcript NM_000268.4 (MANE Select); 5 bases into the intron before coding-DNA position 1000, C replaced by T.
Molecular consequence: intron variant.
Genome position (GRCh38, 1-based): chr22:29,671,821, C>T. VCF-style: chr22-29671821-C-T. GRCh37 (hg19) VCF-style: chr22-30067810-C-T.
Other names: c.1000-5C>T (NM_016418.5, NM_181832.3, NM_181825.3); c.448-22931C>T (NM_181833.3); c.877-5C>T (NM_181829.3); c.874-5C>T (NM_181828.3); c.751-5C>T (NM_181830.3, NM_181831.3).
Identifiers: ClinVar variation 1087029 (VCV001087029.13), dbSNP rs763266359, ClinGen allele CA036468.
Genomic context (GRCh38, chr22:29,671,821, plus strand): 5'-GCCCTTGTGGCACCCTAGGTCTCGAGCCCTGTGATTCAATGACTGTTTTTCTTCACCCCT[C>T]GCAGATGGAGCGGCAGCGCCTCGCTCGAGAGAAGCAGATGAGGGAGGAGGCTGAACGCAC-3'

ClinVar aggregate classification (germline): Likely benign. Review status: criteria provided, multiple submitters, no conflicts (2 of 4 stars). 4 submissions from 4 submitters: Likely benign (4). Last evaluated 2025-09-12.

Conditions:
Hereditary cancer-predisposing syndrome. Also called: Hereditary Cancer Syndrome; Neoplastic Syndromes, Hereditary; Tumor predisposition; Hereditary neoplastic syndrome. Identifiers: Orphanet 140162, MedGen C0027672, MeSH D009386, MONDO:0015356.
Neurofibromatosis, type 2 (SWNV). Also called: NF2-Related Schwannomatosis; SCHWANNOMATOSIS, VESTIBULAR; BILATERAL ACOUSTIC NEUROFIBROMATOSIS. Identifiers: Orphanet 637, MedGen C0027832, MONDO:0007039, OMIM 101000. Disease mechanism: loss of function.

Allele frequency attached by ClinVar (database versions not stated): ExAC 0.00001; gnomAD exomes 0.00001 and 0.00002; TOPMed 0.00001.
gnomAD v4.1: 8 of 1,613,900 alleles (0.0005%); highest among the groups gnomAD compares: East Asian, 0.0022%; no homozygotes.

Submissions (4):

Labcorp Genetics (formerly Invitae), Labcorp
Classification: Likely benign for Neurofibromatosis, type 2. Last evaluated: 2025-09-12. Review status: criteria provided, single submitter. Criteria: Invitae Variant Classification Sherloc (09022015). Collection method: clinical testing. Allele origin: germline.

Blueprint Genetics
Classification: Likely benign. Last evaluated: 2024-01-15. Review status: criteria provided, single submitter. Criteria: ACMG Guidelines, 2015. Collection method: clinical testing. Allele origin: germline.

All of Us Research Program, National Institutes of Health
Classification: Likely benign for Neurofibromatosis, type 2. Last evaluated: 2023-10-06. Review status: criteria provided, single submitter. Criteria: ACMG Guidelines, 2015. Collection method: clinical testing. Allele origin: germline. Inheritance: Autosomal dominant inheritance. Observed: 4 variant alleles, 4 heterozygotes.
Comment: This study involves interpretation of variants in research participants for the purpose of population health screening. Participant phenotype was not available at the time of variant classification. Additional details can be found in publication PMID: 35346344, PMCID: PMC8962531

Ambry Genetics
Classification: Likely benign for Hereditary cancer-predisposing syndrome. Last evaluated: 2021-08-27. Review status: criteria provided, single submitter. Criteria: Ambry Variant Classification Scheme 2023. Collection method: clinical testing. Allele origin: germline.